The following is an entry in ClinVar:

NM_001365999.1(SZT2):c.664C>A (p.Leu222Met)

Gene: SZT2 (SZT2 subunit of KICSTOR complex; plus strand). Cytogenetic location: 1p34.2.
Variant type: single nucleotide variant.
Coding change: c.664C>A on transcript NM_001365999.1 (MANE Select); coding-DNA position 664, C replaced by A.
Protein change: p.Leu222Met; replaces leucine 222 with methionine.
Molecular consequence: missense variant.
Genome position (GRCh38, 1-based): chr1:43,415,993, C>A. VCF-style: chr1-43415993-C-A. GRCh37 (hg19) VCF-style: chr1-43881664-C-A.
Other names: c.664C>A, p.Leu222Met (NM_015284.4); short protein forms L222M.
Identifiers: ClinVar variation 2752789 (VCV002752789.3), dbSNP rs1651676468, ClinGen allele CA340001956.

ClinVar aggregate classification (germline): Uncertain significance (1 of 4 stars; one submission).

Submission:

Labcorp Genetics (formerly Invitae), Labcorp
Classification: Uncertain significance. Last evaluated: 2023-05-31. Review status: criteria provided, single submitter. Criteria: Invitae Variant Classification Sherloc (09022015). Collection method: clinical testing. Allele origin: germline.
Comment: Advanced modeling of protein sequence and biophysical properties (such as structural, functional, and spatial information, amino acid conservation, physicochemical variation, residue mobility, and thermodynamic stability) performed at Invitae indicates that this missense variant is not expected to disrupt SZT2 protein function. This variant is not present in population databases (gnomAD no frequency). This variant has not been reported in the literature in individuals affected with SZT2-related conditions. This sequence change replaces leucine, which is neutral and non-polar, with methionine, which is neutral and non-polar, at codon 222 of the SZT2 protein (p.Leu222Met). In summary, the available evidence is currently insufficient to determine the role of this variant in disease. Therefore, it has been classified as a Variant of Uncertain Significance.